The following is an entry in ClinVar:

ClinVar aggregate classification (germline): Likely benign (1 of 4 stars; one submission).

Allele frequency attached by ClinVar (database versions not stated): gnomAD exomes below 0.00001.
gnomAD v4.1: 1 of 1,613,772 alleles (0.000062%); highest among the groups gnomAD compares: Non-Finnish European, 0.000085%; no homozygotes.

Submission:

CeGaT Center for Human Genetics Tuebingen
Classification: Likely benign. Last evaluated: 2022-07-01. Review status: criteria provided, single submitter. Criteria: CeGaT Center For Human Genetics Tuebingen Variant Classification Criteria Version 2. Collection method: clinical testing. Allele origin: germline. Affected: yes. Observed: 1 variant allele.
Comment: RTN4IP1: PM2:Supporting, BP4, BP7

NM_032730.5(RTN4IP1):c.1059T>C (p.Ile353=)

Gene: RTN4IP1 (reticulon 4 interacting protein 1; minus strand). Cytogenetic location: 6q21.
Variant type: single nucleotide variant.
Coding change: c.1059T>C on transcript NM_032730.5 (MANE Select); coding-DNA position 1059, T replaced by C.
Protein change: p.Ile353=; no amino-acid change (isoleucine 353 retained).
Molecular consequence: synonymous variant.
Genome position (GRCh38, 1-based): chr6:106,583,352, A>G on the plus strand (T>C on the coding strand, the complement: RTN4IP1 is on the minus strand). VCF-style: chr6-106583352-A-G. GRCh37 (hg19) VCF-style: chr6-107031227-A-G.
Other names: c.759T>C, p.Ile253= (NM_001318746.1).
Identifiers: ClinVar variation 2656810 (VCV002656810.24), dbSNP rs1775413009, ClinGen allele CA451408079.